The following is an entry in ClinVar:

NM_022455.5(NSD1):c.3797-9_3797-7del

Gene: NSD1 (nuclear receptor binding SET domain protein 1; plus strand). Cytogenetic location: 5q35.3.
Variant type: Microsatellite.
Coding change: c.3797-9_3797-7del on transcript NM_022455.5 (MANE Select); 9 bases into the intron before coding-DNA position 3797 through 7 bases into the intron before coding-DNA position 3797, 3 bases deleted (ATC; older notation c.3797-9_3797-7delATC).
Molecular consequence: intron variant.
Genome position (GRCh38, 1-based): chr5:177,235,812-177,235,814, ATC deleted; deleting any 3 consecutive bases within chr5:177,235,809-177,235,814 gives the same sequence; the c. name uses the placement nearest the transcript's 3' end. VCF-style (leftmost placement, unchanged base first): chr5-177235808-TATC-T. GRCh37 (hg19) VCF-style: chr5-176662809-TATC-T.
Other names: c.3797-9_3797-7del (NM_001409301.1, NM_001409302.1, NM_001409303.1); c.3377-9_3377-7del (NM_001409304.1); c.3044-9_3044-7del (NM_001409305.1); c.2924-9_2924-7del (NM_001409306.1, NM_001409308.1, NM_001409307.1 and 3 more transcripts).
Identifiers: ClinVar variation 2578990 (VCV002578990.25), dbSNP rs2480580131, ClinGen allele CA2580617995.

ClinVar aggregate classification (germline): Uncertain significance (1 of 4 stars; one submission).

Submission:

CeGaT Center for Human Genetics Tuebingen
Classification: Uncertain significance. Last evaluated: 2023-08-01. Review status: criteria provided, single submitter. Criteria: CeGaT Center For Human Genetics Tuebingen Variant Classification Criteria Version 2. Collection method: clinical testing. Allele origin: germline. Affected: yes. Observed: 1 variant allele.
Comment: NSD1: PM2, BP4